The following is an entry in ClinVar:

NM_005559.4(LAMA1):c.8426G>T (p.Gly2809Val)

Gene: LAMA1 (laminin subunit alpha 1; minus strand). Cytogenetic location: 18p11.31.
Variant type: single nucleotide variant.
Coding change: c.8426G>T on transcript NM_005559.4 (MANE Select); coding-DNA position 8426, G replaced by T.
Protein change: p.Gly2809Val; replaces glycine 2809 with valine.
Molecular consequence: missense variant.
Genome position (GRCh38, 1-based): chr18:6,949,231, C>A on the plus strand (G>T on the coding strand, the complement: LAMA1 is on the minus strand). VCF-style: chr18-6949231-C-A. GRCh37 (hg19) VCF-style: chr18-6949230-C-A.
Other names: p.Gly2809Val; c.8426G>T (NM_005559.3); short protein forms G2809V.
Identifiers: ClinVar variation 1525283 (VCV001525283.9), dbSNP rs750276807, ClinGen allele CA8880477.

ClinVar aggregate classification (germline): Uncertain significance. Review status: criteria provided, multiple submitters, no conflicts (2 of 4 stars). 4 submissions from 4 submitters: Uncertain significance (4). Last evaluated 2025-10-22.

Conditions:
Inborn genetic diseases. Identifiers: MedGen C0950123, MeSH D030342.

gnomAD v4.1: 6 of 1,614,164 alleles (0.00037%); highest among the groups gnomAD compares: Non-Finnish European, 0.00051%; no homozygotes.

Submissions (4):

Mayo Clinic Laboratories, Mayo Clinic
Classification: Uncertain significance. Last evaluated: 2025-10-22. Review status: criteria provided, single submitter. Criteria: ACMG Guidelines, 2015. Collection method: clinical testing. Allele origin: germline. Observed: 1 variant allele.
Comment: PM2_supporting

Ambry Genetics
Classification: Uncertain significance for Inborn genetic diseases. Last evaluated: 2024-10-17. Review status: criteria provided, single submitter. Criteria: Ambry Variant Classification Scheme 2023. Collection method: clinical testing. Allele origin: germline.

Blueprint Genetics
Classification: Uncertain significance. Last evaluated: 2024-04-04. Review status: criteria provided, single submitter. Criteria: ACMG Guidelines, 2015. Collection method: clinical testing. Allele origin: germline.

Labcorp Genetics (formerly Invitae), Labcorp
Classification: Uncertain significance. Last evaluated: 2022-06-05. Review status: criteria provided, single submitter. Criteria: Invitae Variant Classification Sherloc (09022015). Collection method: clinical testing. Allele origin: germline.
Comment: This sequence change replaces glycine, which is neutral and non-polar, with valine, which is neutral and non-polar, at codon 2809 of the LAMA1 protein (p.Gly2809Val). This variant is present in population databases (rs750276807, gnomAD 0.0009%). This variant has not been reported in the literature in individuals affected with LAMA1-related conditions. ClinVar contains an entry for this variant (Variation ID: 1525283). Algorithms developed to predict the effect of missense changes on protein structure and function are either unavailable or do not agree on the potential impact of this missense change (SIFT: "Tolerated"; PolyPhen-2: "Possibly Damaging"; Align-GVGD: "Class C0"). In summary, the available evidence is currently insufficient to determine the role of this variant in disease. Therefore, it has been classified as a Variant of Uncertain Significance.